The following is an entry in ClinVar:

ClinVar aggregate classification (germline): Uncertain significance. Review status: criteria provided, multiple submitters, no conflicts (2 of 4 stars). 3 submissions from 3 submitters: Uncertain significance (3). Last evaluated 2026-01-20.

Conditions:
Inborn genetic diseases. Identifiers: MedGen C0950123, MeSH D030342.
Tall stature-scoliosis-macrodactyly of the great toes syndrome. Also called: Epiphyseal chondrodysplasia, miura type. Identifiers: Orphanet 329191, MedGen C4014690, MONDO:0014401, OMIM 615923.
Acromesomelic dysplasia 1, Maroteaux type (AMD1). Also called: ST. HELENA DYSPLASIA; ACROMESOMELIC DYSPLASIA 1. Identifiers: Orphanet 40, MedGen C1864356, MONDO:0011275, OMIM 602875.

Allele frequency attached by ClinVar (database versions not stated): ExAC 0.00003; gnomAD 0.00003; gnomAD exomes 0.00003 and 0.00005; TOPMed 0.00003.
gnomAD v4.1: 54 of 1,613,776 alleles (0.0033%); highest among the groups gnomAD compares: Non-Finnish European, 0.00034%; no homozygotes.

Submissions (3):

Women's Health and Genetics/Laboratory Corporation of America, LabCorp
Classification: Uncertain significance. Last evaluated: 2026-01-20. Review status: criteria provided, single submitter. Criteria: LabCorp Variant Classification Summary - May 2015. Collection method: clinical testing. Allele origin: germline.
Comment: Variant summary: NPR2 c.1070C>T (p.Thr357Ile) results in a non-conservative amino acid change in the encoded protein sequence. Algorithms developed to predict the effect of missense changes on protein structure and function are either unavailable or do not agree on the potential impact of this missense change. The variant allele was found at a frequency of 5.2e-05 in 251452 control chromosomes. This frequency is not significantly higher than estimated for disease-causing variants in NPR2, allowing no conclusion about variant significance. To our knowledge, no occurrence of c.1070C>T in individuals affected with NPR2-related conditions and no experimental evidence demonstrating its impact on protein function have been reported. ClinVar contains an entry for this variant (Variation ID: 1436790). Based on the evidence outlined above, the variant was classified as uncertain significance.

Labcorp Genetics (formerly Invitae), Labcorp
Classification: Uncertain significance for Tall stature-scoliosis-macrodactyly of the great toes syndrome; Acromesomelic dysplasia 1, Maroteaux type. Last evaluated: 2025-12-01. Review status: criteria provided, single submitter. Criteria: Invitae Variant Classification Sherloc (09022015). Collection method: clinical testing. Allele origin: germline.
Comment: This sequence change replaces threonine, which is neutral and polar, with isoleucine, which is neutral and non-polar, at codon 357 of the NPR2 protein (p.Thr357Ile). This variant is present in population databases (rs772725792, gnomAD 0.1%). This variant has not been reported in the literature in individuals affected with NPR2-related conditions. ClinVar contains an entry for this variant (Variation ID: 1436790). Invitae Evidence Modeling of protein sequence and biophysical properties (such as structural, functional, and spatial information, amino acid conservation, physicochemical variation, residue mobility, and thermodynamic stability) indicates that this missense variant is not expected to disrupt NPR2 protein function with a negative predictive value of 80%. In summary, the available evidence is currently insufficient to determine the role of this variant in disease. Therefore, it has been classified as a Variant of Uncertain Significance.

Ambry Genetics
Classification: Uncertain significance for Inborn genetic diseases. Last evaluated: 2024-04-20. Review status: criteria provided, single submitter. Criteria: Ambry Variant Classification Scheme 2023. Collection method: clinical testing. Allele origin: germline.

NM_003995.4(NPR2):c.1070C>T (p.Thr357Ile)

Gene: NPR2 (natriuretic peptide receptor 2; plus strand). Cytogenetic location: 9p13.3.
Variant type: single nucleotide variant.
Coding change: c.1070C>T on transcript NM_003995.4 (MANE Select); coding-DNA position 1070, C replaced by T.
Protein change: p.Thr357Ile; replaces threonine 357 with isoleucine.
Molecular consequence: missense variant.
Genome position (GRCh38, 1-based): chr9:35,800,104, C>T. VCF-style: chr9-35800104-C-T. GRCh37 (hg19) VCF-style: chr9-35800101-C-T.
Other names: c.1070C>T (NM_003995.3); c.1070C>T, p.Thr357Ile (NM_001378923.1); short protein forms T357I.
Identifiers: ClinVar variation 1436790 (VCV001436790.10), dbSNP rs772725792, ClinGen allele CA5051593.